The following is an entry in ClinVar:

NM_001034853.2(RPGR):c.356T>C (p.Leu119Ser)

Gene: RPGR (retinitis pigmentosa GTPase regulator; minus strand). Cytogenetic location: Xp11.4.
Variant type: single nucleotide variant.
Coding change: c.356T>C on transcript NM_001034853.2 (MANE Select); coding-DNA position 356, T replaced by C.
Protein change: p.Leu119Ser; replaces leucine 119 with serine.
Molecular consequence: missense variant. On other transcripts: non-coding transcript variant (6).
Genome position (GRCh38, 1-based): chrX:38,318,942, A>G on the plus strand (T>C on the coding strand, the complement: RPGR is on the minus strand). VCF-style: chrX-38318942-A-G. GRCh37 (hg19) VCF-style: chrX-38178195-A-G.
Other names: c.356T>C, p.Leu119Ser (NM_001367245.1, NM_001367246.1, NM_001367247.1 and 3 more transcripts); c.386T>C, p.Leu129Ser (NM_001367248.1); c.353T>C, p.Leu118Ser (NM_001367249.1); short protein forms L119S, L118S, L129S.
Identifiers: ClinVar variation 1997408 (VCV001997408.5), dbSNP rs2519895095, ClinGen allele CA412745235.

ClinVar aggregate classification (germline): Conflicting classifications of pathogenicity. Review status: criteria provided, conflicting classifications (1 of 4 stars). 2 submissions from 2 submitters: Likely pathogenic (1); Uncertain significance (1). Last evaluated 2022-05-21.

Conditions:
RPGR-related disorder. Also called: RPGR-related condition.
Primary ciliary dyskinesia. Also called: Ciliary dyskinesia. Identifiers: Orphanet 244, MedGen C0008780, MONDO:0016575, HP:0012265.

Submissions (2):

Labcorp Genetics (formerly Invitae), Labcorp
Classification: Uncertain significance for Primary ciliary dyskinesia. Last evaluated: 2022-05-21. Review status: criteria provided, single submitter. Criteria: Invitae Variant Classification Sherloc (09022015). Collection method: clinical testing. Allele origin: germline.
Comment: In summary, the available evidence is currently insufficient to determine the role of this variant in disease. Therefore, it has been classified as a Variant of Uncertain Significance. Algorithms developed to predict the effect of missense changes on protein structure and function are either unavailable or do not agree on the potential impact of this missense change (SIFT: "Deleterious"; PolyPhen-2: "Probably Damaging"; Align-GVGD: "Class C0"). This variant has not been reported in the literature in individuals affected with RPGR-related conditions. This variant is not present in population databases (gnomAD no frequency). This sequence change replaces leucine, which is neutral and non-polar, with serine, which is neutral and polar, at codon 119 of the RPGR protein (p.Leu119Ser).

Blueprint Genetics
Classification: Likely pathogenic for RPGR-related disorders. Last evaluated: 2021-11-11. Review status: criteria provided, single submitter. Criteria: ACMG Guidelines, 2015. Collection method: clinical testing. Allele origin: germline. Affected: yes. Observed: 2 variant alleles.